The following is an entry in ClinVar:

ClinVar aggregate classification (germline): Uncertain significance (1 of 4 stars; one submission).

Conditions:
RAI1-related disorder. Also called: RAI1-related condition.

gnomAD v4.1: 10 of 1,613,978 alleles (0.00062%); highest among the groups gnomAD compares: Non-Finnish European, 0.00085%; no homozygotes.

Submission:

PreventionGenetics, part of Exact Sciences
Classification: Uncertain significance for RAI1-related condition. Last evaluated: 2025-10-09. Review status: criteria provided, single submitter. Criteria: ACMG Guidelines, 2015. Collection method: clinical testing. Allele origin: germline.
Comment: The RAI1 c.4670C>T variant is predicted to result in the amino acid substitution p.Ala1557Val. To our knowledge, this variant has not been reported in the literature. This variant is reported in 0.00088% of alleles in individuals of European (Non-Finnish) descent in gnomAD. At this time, the clinical significance of this variant is uncertain due to the absence of conclusive functional and genetic evidence.

NM_030665.4(RAI1):c.4670C>T (p.Ala1557Val)

Gene: RAI1 (retinoic acid induced 1; plus strand). Cytogenetic location: 17p11.2.
Variant type: single nucleotide variant.
Coding change: c.4670C>T on transcript NM_030665.4 (MANE Select); coding-DNA position 4670, C replaced by T.
Protein change: p.Ala1557Val; replaces alanine 1557 with valine.
Molecular consequence: missense variant.
Genome position (GRCh38, 1-based): chr17:17,797,618, C>T. VCF-style: chr17-17797618-C-T. GRCh37 (hg19) VCF-style: chr17-17700932-C-T.
Other names: short protein forms A1557V.
Identifiers: ClinVar variation 4995747 (VCV004995747.1).